The following is an entry in ClinVar:

NM_015404.4(WHRN):c.964-4_964-3delinsTT

Gene: WHRN (whirlin; minus strand). Cytogenetic location: 9q32.
Variant type: Indel.
Coding change: c.964-4_964-3delinsTT on transcript NM_015404.4 (MANE Select); 4 bases into the intron before coding-DNA position 964 through 3 bases into the intron before coding-DNA position 964, GC replaced by TT.
Molecular consequence: intron variant.
Genome position (GRCh38, 1-based): chr9:114,426,416-114,426,417, GC replaced by AA on the plus strand (GC replaced by TT on the coding strand, the reverse complement: WHRN is on the minus strand). VCF-style: chr9-114426416-GC-AA. GRCh37 (hg19) VCF-style: chr9-117188696-GC-AA.
Other names: c.964-4_964-3delinsTT (NM_001173425.2); c.-186-4_-186-3delinsTT (NM_001083885.3).
Identifiers: ClinVar variation 934066 (VCV000934066.6), dbSNP rs1836866622, ClinGen allele CA1139661142.

ClinVar aggregate classification (germline): Uncertain significance (1 of 4 stars; one submission).

Submission:

Labcorp Genetics (formerly Invitae), Labcorp
Classification: Uncertain significance. Last evaluated: 2022-03-24. Review status: criteria provided, single submitter. Criteria: Invitae Variant Classification Sherloc (09022015). Collection method: clinical testing. Allele origin: germline.
Comment: This variant has not been reported in the literature in individuals affected with WHRN-related conditions. ClinVar contains an entry for this variant (Variation ID: 934066). Variants that disrupt the consensus splice site are a relatively common cause of aberrant splicing (PMID: 17576681, 9536098). Algorithms developed to predict the effect of sequence changes on RNA splicing suggest that this variant is not likely to affect RNA splicing. In summary, the available evidence is currently insufficient to determine the role of this variant in disease. Therefore, it has been classified as a Variant of Uncertain Significance. Information on the frequency of this variant in the gnomAD database is not available, as this variant may be reported differently in the database. This sequence change falls in intron 3 of the WHRN gene. It does not directly change the encoded amino acid sequence of the WHRN protein. It affects a nucleotide within the consensus splice site.

Literature cited by the submitters: PubMed 17576681; PubMed 9536098.